The following is an entry in ClinVar:

NM_138773.4(SLC25A46):c.953T>C (p.Ile318Thr)

Gene: SLC25A46 (solute carrier family 25 member 46; plus strand). Cytogenetic location: 5q22.1.
Variant type: single nucleotide variant.
Coding change: c.953T>C on transcript NM_138773.4 (MANE Select); coding-DNA position 953, T replaced by C.
Protein change: p.Ile318Thr; replaces isoleucine 318 with threonine.
Molecular consequence: missense variant. On other transcripts: non-coding transcript variant (1).
Genome position (GRCh38, 1-based): chr5:110,761,478, T>C. VCF-style: chr5-110761478-T-C. GRCh37 (hg19) VCF-style: chr5-110097178-T-C.
Other names: c.710T>C, p.Ile237Thr (NM_001303249.3); c.680T>C, p.Ile227Thr (NM_001303250.3); short protein forms I237T, I318T, I227T.
Identifiers: ClinVar variation 1502845 (VCV001502845.10), dbSNP rs201858314, ClinGen allele CA125344936.

ClinVar aggregate classification (germline): Uncertain significance (1 of 4 stars; one submission).

Conditions:
Neuropathy, hereditary motor and sensory, type 6B (HMSN6B). Also called: NEUROPATHY, HEREDITARY MOTOR AND SENSORY, TYPE VIB, WITH OPTIC ATROPHY; HMSN VIB; CHARCOT-MARIE-TOOTH DISEASE, TYPE 6B; Neuropathy, hereditary motor and sensory, type VIB. Identifiers: MedGen C4225302, MONDO:0014671, OMIM 616505.

Allele frequency attached by ClinVar (database versions not stated): gnomAD exomes below 0.00001; TOPMed 0.00001.
gnomAD v4.1: 2 of 1,613,820 alleles (0.00012%); highest among the groups gnomAD compares: East Asian, 0.0022%; no homozygotes.

Submission:

Labcorp Genetics (formerly Invitae), Labcorp
Classification: Uncertain significance for Neuropathy, hereditary motor and sensory, type 6B. Last evaluated: 2022-11-15. Review status: criteria provided, single submitter. Criteria: Invitae Variant Classification Sherloc (09022015). Collection method: clinical testing. Allele origin: germline.
Comment: In summary, the available evidence is currently insufficient to determine the role of this variant in disease. Therefore, it has been classified as a Variant of Uncertain Significance. Advanced modeling of protein sequence and biophysical properties (such as structural, functional, and spatial information, amino acid conservation, physicochemical variation, residue mobility, and thermodynamic stability) performed at Invitae indicates that this missense variant is not expected to disrupt SLC25A46 protein function. ClinVar contains an entry for this variant (Variation ID: 1502845). This variant has not been reported in the literature in individuals affected with SLC25A46-related conditions. This variant is present in population databases (rs201858314, gnomAD 0.006%). This sequence change replaces isoleucine, which is neutral and non-polar, with threonine, which is neutral and polar, at codon 318 of the SLC25A46 protein (p.Ile318Thr).